The following is an entry in ClinVar:

ClinVar aggregate classification (germline): Pathogenic (1 of 4 stars; one submission).

Submission:

Labcorp Genetics (formerly Invitae), Labcorp
Classification: Pathogenic. Last evaluated: 2023-07-12. Review status: criteria provided, single submitter. Criteria: Invitae Variant Classification Sherloc (09022015). Collection method: clinical testing. Allele origin: germline.
Comment: This sequence change creates a premature translational stop signal (p.Ile137Lysfs*13) in the MICU1 gene. It is expected to result in an absent or disrupted protein product. Loss-of-function variants in MICU1 are known to be pathogenic (PMID: 24336167). This variant is not present in population databases (gnomAD no frequency). This variant has not been reported in the literature in individuals affected with MICU1-related conditions. ClinVar contains an entry for this variant (Variation ID: 1459910). For these reasons, this variant has been classified as Pathogenic.

Literature cited by the submitters: PubMed 24336167.

NM_001195518.2(MICU1):c.403_407dup (p.Ile137fs)

Gene: MICU1 (mitochondrial calcium uptake 1; minus strand). Cytogenetic location: 10q22.1.
Variant type: Duplication.
Coding change: c.403_407dup on transcript NM_001195518.2 (MANE Select); coding-DNA positions 403 to 407, 5 bases duplicated (AAAGT; older notation c.403_407dupAAAGT).
Protein change: p.Ile137fs; shifts the reading frame from isoleucine 137.
Molecular consequence: frameshift variant.
Genome position (GRCh38, 1-based): chr10:72,551,265-72,551,269, ACTTT duplicated on the plus strand (AAAGT on the coding strand, the reverse complement: MICU1 is on the minus strand). VCF-style (leftmost placement, unchanged base first): chr10-72551264-G-GACTTT. GRCh37 (hg19) VCF-style: chr10-74311022-G-GACTTT.
Other names: c.403_407dup, p.Ile137fs (NM_001363513.2, NM_006077.4); short protein forms I137fs.
Identifiers: ClinVar variation 1459910 (VCV001459910.6), dbSNP rs2132444081, ClinGen allele CA2573145334.